The following is an entry in ClinVar:

ClinVar aggregate classification (germline): Uncertain significance (1 of 4 stars; one submission).

Allele frequency attached by ClinVar (database versions not stated): gnomAD 0.00001; TOPMed 0.00001; ExAC 0.00002; gnomAD exomes 0.00002.
gnomAD v4.1: 25 of 1,613,344 alleles (0.0015%); highest among the groups gnomAD compares: African/African-American, 0.0027%; no homozygotes.

Submission:

Labcorp Genetics (formerly Invitae), Labcorp
Classification: Uncertain significance. Last evaluated: 2022-12-13. Review status: criteria provided, single submitter. Criteria: Invitae Variant Classification Sherloc (09022015). Collection method: clinical testing. Allele origin: germline.
Comment: Advanced modeling of protein sequence and biophysical properties (such as structural, functional, and spatial information, amino acid conservation, physicochemical variation, residue mobility, and thermodynamic stability) performed at Invitae indicates that this missense variant is not expected to disrupt EPHA4 protein function. In summary, the available evidence is currently insufficient to determine the role of this variant in disease. Therefore, it has been classified as a Variant of Uncertain Significance. This sequence change replaces isoleucine, which is neutral and non-polar, with threonine, which is neutral and polar, at codon 851 of the EPHA4 protein (p.Ile851Thr). This variant has not been reported in the literature in individuals affected with EPHA4-related conditions. This variant is present in population databases (rs764568007, gnomAD 0.003%).

NM_004438.5(EPHA4):c.2552T>C (p.Ile851Thr)

Gene: EPHA4 (EPH receptor A4; minus strand). Cytogenetic location: 2q36.1.
Variant type: single nucleotide variant.
Coding change: c.2552T>C on transcript NM_004438.5 (MANE Select); coding-DNA position 2552, T replaced by C.
Protein change: p.Ile851Thr; replaces isoleucine 851 with threonine.
Molecular consequence: missense variant.
Genome position (GRCh38, 1-based): chr2:221,430,096, A>G on the plus strand (T>C on the coding strand, the complement: EPHA4 is on the minus strand). VCF-style: chr2-221430096-A-G. GRCh37 (hg19) VCF-style: chr2-222294816-A-G.
Other names: c.2552T>C, p.Ile851Thr (NM_001304536.2, NM_001363748.2); c.2399T>C, p.Ile800Thr (NM_001304537.2); short protein forms I800T, I851T.
Identifiers: ClinVar variation 2988975 (VCV002988975.3), dbSNP rs764568007, ClinGen allele CA2134744.
Genomic context (GRCh38, chr2:221,430,096, plus strand): 5'-AATTTAGGCCTGTCGCTCCTCTCCTTCTGCCAGCAGTCTAGCATCAGCTGGTGGAGCGCA[A>G]TGGGGCAGTCCATTGGAGGGGGTAACCGATAGCCTTCCTCAATGGCTTTAATCACCTATG-3'
Protein context (NP_004429.1, residues 841-861): YRLPPPMDCP[Ile851Thr]ALHQLMLDCW